The following is an entry in ClinVar:

ClinVar aggregate classification (germline): Uncertain significance. Review status: criteria provided, multiple submitters, no conflicts (2 of 4 stars). 2 submissions from 2 submitters: Uncertain significance (2). Last evaluated 2024-10-11.

Allele frequency attached by ClinVar (database versions not stated): gnomAD exomes below 0.00001; ExAC 0.00001; gnomAD 0.00001; TOPMed 0.00001.
gnomAD v4.1: 8 of 1,613,926 alleles (0.0005%); highest among the groups gnomAD compares: African/African-American, 0.0013%; no homozygotes.

Submissions (2):

Labcorp Genetics (formerly Invitae), Labcorp
Classification: Uncertain significance. Last evaluated: 2024-10-11. Review status: criteria provided, single submitter. Criteria: Invitae Variant Classification Sherloc (09022015). Collection method: clinical testing. Allele origin: germline.
Comment: This sequence change replaces lysine, which is basic and polar, with arginine, which is basic and polar, at codon 1334 of the USH2A protein (p.Lys1334Arg). This variant is present in population databases (rs770323958, gnomAD 0.0008%). This variant has not been reported in the literature in individuals affected with USH2A-related conditions. ClinVar contains an entry for this variant (Variation ID: 1369459). Invitae Evidence Modeling of protein sequence and biophysical properties (such as structural, functional, and spatial information, amino acid conservation, physicochemical variation, residue mobility, and thermodynamic stability) indicates that this missense variant is not expected to disrupt USH2A protein function with a negative predictive value of 95%. Algorithms developed to predict the effect of sequence changes on RNA splicing suggest that this variant may disrupt the consensus splice site. In summary, the available evidence is currently insufficient to determine the role of this variant in disease. Therefore, it has been classified as a Variant of Uncertain Significance.

Blueprint Genetics
Classification: Uncertain significance. Last evaluated: 2017-06-22. Review status: criteria provided, single submitter. Criteria: ACMG Guidelines, 2015. Collection method: clinical testing. Allele origin: germline.

NM_206933.4(USH2A):c.4001A>G (p.Lys1334Arg)

Genes: USH2A (usherin; minus strand), USH2A-AS1 (USH2A antisense RNA 1; plus strand). Cytogenetic location: 1q41.
Variant type: single nucleotide variant.
Coding change: c.4001A>G on transcript NM_206933.4 (MANE Select); coding-DNA position 4001, A replaced by G.
Protein change: p.Lys1334Arg; replaces lysine 1334 with arginine.
Molecular consequence: missense variant.
Genome position (GRCh38, 1-based): chr1:216,198,395, T>C on the plus strand (A>G on the coding strand, the complement: USH2A is on the minus strand). VCF-style: chr1-216198395-T-C. GRCh37 (hg19) VCF-style: chr1-216371737-T-C.
Other names: c.4001A>G, p.Lys1334Arg (NM_007123.6); short protein forms K1334R.
Identifiers: ClinVar variation 1369459 (VCV001369459.7), dbSNP rs770323958, ClinGen allele CA1395856.